The following is an entry in ClinVar:

NM_032043.3(BRIP1):c.1301A>T (p.Asp434Val)

Gene: BRIP1 (BRCA1 interacting DNA helicase 1; minus strand). Cytogenetic location: 17q23.2.
Variant type: single nucleotide variant.
Coding change: c.1301A>T on transcript NM_032043.3 (MANE Select); coding-DNA position 1301, A replaced by T.
Protein change: p.Asp434Val; replaces aspartic acid 434 with valine.
Molecular consequence: missense variant.
Genome position (GRCh38, 1-based): chr17:61,799,139, T>A on the plus strand (A>T on the coding strand, the complement: BRIP1 is on the minus strand). VCF-style: chr17-61799139-T-A. GRCh37 (hg19) VCF-style: chr17-59876500-T-A.
Other names: short protein forms D434V.
Identifiers: ClinVar variation 566081 (VCV000566081.9), dbSNP rs1567829117, ClinGen allele CA400483480.
Genomic context (GRCh38, chr17:61,799,139, plus strand): 5'-CTAATAGACAAATCTTCTTACTTAATGAGGCTACAGCACACAGCTCGTAGGGGTTCATGA[T>A]CTTTCTTCCTTATATTATTGTTGACCATACTATCTAGTTCATCCCGAGCAAACCGAAGCT-3'
Protein context (NP_114432.2, residues 424-444): SMVNNNIRKK[Asp434Val]HEPLRAVCCS

ClinVar aggregate classification (germline): Uncertain significance (1 of 4 stars; one submission).

Conditions:
Fanconi anemia complementation group J. Also called: BRIP1-Related Fanconi Anemia. Identifiers: Orphanet 84, MedGen C1836860, MONDO:0012187, OMIM 609054.
Familial cancer of breast. Also called: Hereditary breast cancer; BREAST CANCER, FAMILIAL; hereditary breast carcinoma. Identifiers: Orphanet 227535, MedGen C0346153, MONDO:0016419, OMIM 114480. Disease mechanism: loss of function.

Submission:

Labcorp Genetics (formerly Invitae), Labcorp
Classification: Uncertain significance for Familial cancer of breast; Fanconi anemia complementation group J. Last evaluated: 2021-08-14. Review status: criteria provided, single submitter. Criteria: Invitae Variant Classification Sherloc (09022015). Collection method: clinical testing. Allele origin: germline.
Comment: This variant has not been reported in the literature in individuals with BRIP1-related disease. In summary, the available evidence is currently insufficient to determine the role of this variant in disease. Therefore, it has been classified as a Variant of Uncertain Significance. Algorithms developed to predict the effect of missense changes on protein structure and function do not agree on the potential impact of this missense change (SIFT: "Tolerated"; PolyPhen-2: "Possibly Damaging"; Align-GVGD: "Class C0"). This variant is not present in population databases (ExAC no frequency). This sequence change replaces aspartic acid with valine at codon 434 of the BRIP1 protein (p.Asp434Val). The aspartic acid residue is weakly conserved and there is a large physicochemical difference between aspartic acid and valine.